The following is an entry in ClinVar:

ClinVar aggregate classification (germline): Uncertain significance (1 of 4 stars; one submission).

Conditions:
Hereditary spastic paraplegia 73. Also called: Spastic paraplegia 73, autosomal dominant. Identifiers: Orphanet 444099, MedGen C5568981, MONDO:0014568, OMIM 616282.

Allele frequency attached by ClinVar (database versions not stated): TOPMed below 0.00001; ExAC 0.00002; 1000 Genomes Project 30x 0.00031; gnomAD exomes below 0.00001; gnomAD 0.00002; 1000 Genomes Project 0.00040.
gnomAD v4.1: 7 of 1,614,064 alleles (0.00043%); highest among the groups gnomAD compares: East Asian, 0.0022%; no homozygotes.

Submission:

Labcorp Genetics (formerly Invitae), Labcorp
Classification: Uncertain significance for Hereditary spastic paraplegia 73. Last evaluated: 2025-10-13. Review status: criteria provided, single submitter. Criteria: Invitae Variant Classification Sherloc (09022015). Collection method: clinical testing. Allele origin: germline.
Comment: This sequence change replaces arginine, which is basic and polar, with glutamine, which is neutral and polar, at codon 587 of the CPT1C protein (p.Arg587Gln). This variant is present in population databases (rs563232158, gnomAD 0.005%). This variant has not been reported in the literature in individuals affected with CPT1C-related conditions. ClinVar contains an entry for this variant (Variation ID: 2867703). Invitae Evidence Modeling of protein sequence and biophysical properties (such as structural, functional, and spatial information, amino acid conservation, physicochemical variation, residue mobility, and thermodynamic stability) indicates that this missense variant is expected to disrupt CPT1C protein function with a positive predictive value of 80%. In summary, the available evidence is currently insufficient to determine the role of this variant in disease. Therefore, it has been classified as a Variant of Uncertain Significance.

NM_001199753.2(CPT1C):c.1793G>A (p.Arg598Gln)

Gene: CPT1C (carnitine palmitoyltransferase 1C; plus strand). Cytogenetic location: 19q13.33.
Variant type: single nucleotide variant.
Coding change: c.1793G>A on transcript NM_001199753.2 (MANE Select); coding-DNA position 1793, G replaced by A.
Protein change: p.Arg598Gln; replaces arginine 598 with glutamine.
Molecular consequence: missense variant. On other transcripts: non-coding transcript variant (1), intron variant (3).
Genome position (GRCh38, 1-based): chr19:49,710,784, G>A. VCF-style: chr19-49710784-G-A. GRCh37 (hg19) VCF-style: chr19-50214041-G-A.
Other names: c.1793G>A, p.Arg598Gln (NM_001378484.1, NM_152359.3, NM_001199752.3 and 1 more transcripts); c.1760G>A, p.Arg587Gln (NM_001378485.1, NM_001136052.3); c.1731+300G>A (NM_001378486.1, NM_001378488.1); c.1698+300G>A (NM_001378487.1); c.1859G>A, p.Arg620Gln (NM_001378482.1); short protein forms R587Q, R598Q, R620Q.
Identifiers: ClinVar variation 2867703 (VCV002867703.3), dbSNP rs563232158, ClinGen allele CA9582325.